The following is an entry in ClinVar:

NM_001166108.2(PALLD):c.120C>A (p.Asn40Lys)

Gene: PALLD (palladin, cytoskeletal associated protein; plus strand). Cytogenetic location: 4q32.3.
Variant type: single nucleotide variant.
Coding change: c.120C>A on transcript NM_001166108.2 (MANE Select); coding-DNA position 120, C replaced by A.
Protein change: p.Asn40Lys; replaces asparagine 40 with lysine.
Molecular consequence: missense variant.
Genome position (GRCh38, 1-based): chr4:168,511,624, C>A. VCF-style: chr4-168511624-C-A. GRCh37 (hg19) VCF-style: chr4-169432775-C-A.
Other names: c.120C>A, p.Asn40Lys (NM_016081.4); short protein forms N40K.
Identifiers: ClinVar variation 1749717 (VCV001749717.2), dbSNP rs781680143, ClinGen allele CA3135298.

ClinVar aggregate classification (germline): Uncertain significance (1 of 4 stars; one submission).

Allele frequency attached by ClinVar (database versions not stated): gnomAD exomes below 0.00001; ExAC 0.00001.
gnomAD v4.1: 2 of 1,614,138 alleles (0.00012%); highest among the groups gnomAD compares: Non-Finnish European, 0.00017%; no homozygotes.

Submission:

Ambry Genetics
Classification: Uncertain significance. Last evaluated: 2021-11-27. Review status: criteria provided, single submitter. Criteria: Ambry Variant Classification Scheme 2023. Collection method: clinical testing. Allele origin: germline.
Comment: The p.N40K variant (also known as c.120C>A), located in coding exon 1 of the PALLD gene, results from a C to A substitution at nucleotide position 120. The asparagine at codon 40 is replaced by lysine, an amino acid with similar properties. This amino acid position is conserved. In addition, this alteration is predicted to be tolerated by in silico analysis. Since supporting evidence is limited at this time, the clinical significance of this alteration remains unclear.